The following is an entry in ClinVar:

ClinVar aggregate classification (germline): Uncertain significance (1 of 4 stars; one submission).

gnomAD v4.1: 1 of 1,613,496 alleles (0.000062%); highest among the groups gnomAD compares: African/African-American, 0.0013%; no homozygotes.

Submission:

Labcorp Genetics (formerly Invitae), Labcorp
Classification: Uncertain significance. Last evaluated: 2024-11-18. Review status: criteria provided, single submitter. Criteria: Invitae Variant Classification Sherloc (09022015). Collection method: clinical testing. Allele origin: germline.
Comment: This sequence change replaces serine, which is neutral and polar, with phenylalanine, which is neutral and non-polar, at codon 844 of the RP1 protein (p.Ser844Phe). This variant is not present in population databases (gnomAD no frequency). This variant has not been reported in the literature in individuals affected with RP1-related conditions. ClinVar contains an entry for this variant (Variation ID: 1396993). An algorithm developed to predict the effect of missense changes on protein structure and function (PolyPhen-2) suggests that this variant is likely to be tolerated. In summary, the available evidence is currently insufficient to determine the role of this variant in disease. Therefore, it has been classified as a Variant of Uncertain Significance.

NM_006269.2(RP1):c.2531C>T (p.Ser844Phe)

Gene: RP1 (RP1 axonemal microtubule associated; plus strand). Cytogenetic location: 8q12.1.
Variant type: single nucleotide variant.
Coding change: c.2531C>T on transcript NM_006269.2 (MANE Select); coding-DNA position 2531, C replaced by T.
Protein change: p.Ser844Phe; replaces serine 844 with phenylalanine.
Molecular consequence: missense variant. On other transcripts: intron variant (1).
Genome position (GRCh38, 1-based): chr8:54,626,413, C>T. VCF-style: chr8-54626413-C-T. GRCh37 (hg19) VCF-style: chr8-55538973-C-T.
Other names: c.787+4125C>T (NM_001375654.1); short protein forms S844F.
Identifiers: ClinVar variation 1396993 (VCV001396993.6), dbSNP rs1806051320, ClinGen allele CA370994052.